The following is an entry in ClinVar:

ClinVar aggregate classification (germline): Uncertain significance (1 of 4 stars; one submission).

Allele frequency attached by ClinVar (database versions not stated): gnomAD 0.00001; TOPMed 0.00001.
gnomAD v4.1: 3 of 1,613,982 alleles (0.00019%); highest among the groups gnomAD compares: African/African-American, 0.0013%; no homozygotes.

Submission:

Quest Diagnostics Nichols Institute San Juan Capistrano
Classification: Uncertain significance. Last evaluated: 2023-02-20. Review status: criteria provided, single submitter. Criteria: Quest Diagnostics criteria. Collection method: clinical testing. Allele origin: unknown.
Comment: This variant has not been reported in the published literature. The frequency of this variant in the general population, 0.000004 (1/251406 chromosomes), is uninformative in assessment of its pathogenicity. Analysis of this variant using bioinformatics tools for the prediction of the effect of amino acid changes on protein structure and function yielded predictions that this variant is benign. Based on the available information, we are unable to determine the clinical significance of this variant.

NM_000552.5(VWF):c.2011T>G (p.Ser671Ala)

Gene: VWF (von Willebrand factor; minus strand). Cytogenetic location: 12p13.31.
Variant type: single nucleotide variant.
Coding change: c.2011T>G on transcript NM_000552.5 (MANE Select); coding-DNA position 2011, T replaced by G.
Protein change: p.Ser671Ala; replaces serine 671 with alanine.
Molecular consequence: missense variant.
Genome position (GRCh38, 1-based): chr12:6,052,718, A>C on the plus strand (T>G on the coding strand, the complement: VWF is on the minus strand). VCF-style: chr12-6052718-A-C. GRCh37 (hg19) VCF-style: chr12-6161884-A-C.
Other names: short protein forms S671A.
Identifiers: ClinVar variation 2682097 (VCV002682097.1), dbSNP rs1245250442, ClinGen allele CA383495239.
Genomic context (GRCh38, chr12:6,052,718, plus strand): 5'-GGGGGCAGAAGCAGCCCTCCAGGCAGGCCTCATTGCATTCCTCATCCGGGTAAGAGAGAG[A>C]GCGGCAGGTCAGGTTGCAGGGGGTCCCGCACTGCAGGTACACCTGGCCTTTCGGGCAGTT-3'
Protein context (NP_000543.3, residues 661-681): CGTPCNLTCR[Ser671Ala]LSYPDEECNE